The following is an entry in ClinVar:

NM_001110556.2(FLNA):c.6542C>T (p.Pro2181Leu)

Gene: FLNA (filamin A; minus strand). Cytogenetic location: Xq28.
Variant type: single nucleotide variant.
Coding change: c.6542C>T on transcript NM_001110556.2 (MANE Select); coding-DNA position 6542, C replaced by T.
Protein change: p.Pro2181Leu; replaces proline 2181 with leucine.
Molecular consequence: missense variant.
Genome position (GRCh38, 1-based): chrX:154,352,408, G>A on the plus strand (C>T on the coding strand, the complement: FLNA is on the minus strand). VCF-style: chrX-154352408-G-A. GRCh37 (hg19) VCF-style: chrX-153580776-G-A.
Other names: c.6518C>T, p.Pro2173Leu (NM_001456.4); short protein forms P2181L, P2173L.
Identifiers: ClinVar variation 4789574 (VCV004789574.1).

ClinVar aggregate classification (germline): Uncertain significance (1 of 4 stars; one submission).

Conditions:
Heterotopia, periventricular, X-linked dominant (PVNH1). Also called: PERIVENTRICULAR NODULAR HETEROTOPIA 4; HETEROTOPIA, PERIVENTRICULAR, 1; PERIVENTRICULAR NODULAR HETEROTOPIA 1; X-linked periventricular heterotopia. Identifiers: Orphanet 2149, Orphanet 82004, MedGen C1848213, MONDO:0010233, OMIM 300049.
Oto-palato-digital syndrome, type II (OPD2). Also called: Otopalatodigital Syndrome, Type II; FACIOPALATOOSSEOUS SYNDROME; OPD II SYNDROME; Otopalatodigital Syndrome Type 2 (FLNA-OPD2). Identifiers: Orphanet 669, Orphanet 90652, MedGen C1844696, MONDO:0010571, OMIM 304120.
Melnick-Needles syndrome (MNS). Also called: MELNICK-NEEDLES OSTEODYSPLASTY; OSTEODYSPLASTY OF MELNICK AND NEEDLES; Melnick-Needles Syndrome (FLNA-MNS). Identifiers: Orphanet 2484, MedGen C0025237, MONDO:0010650, OMIM 309350.
Frontometaphyseal dysplasia (FMD1). Identifiers: Orphanet 1826, MedGen C0265293, MONDO:0015942.

Submission:

Labcorp Genetics (formerly Invitae), Labcorp
Classification: Uncertain significance for Oto-palato-digital syndrome, type II; Heterotopia, periventricular, X-linked dominant; Frontometaphyseal dysplasia; Melnick-Needles syndrome. Last evaluated: 2025-06-29. Review status: criteria provided, single submitter. Criteria: Invitae Variant Classification Sherloc (09022015). Collection method: clinical testing. Allele origin: germline.
Comment: This sequence change replaces proline, which is neutral and non-polar, with leucine, which is neutral and non-polar, at codon 2173 of the FLNA protein (p.Pro2173Leu). This variant is not present in population databases (gnomAD no frequency). This variant has not been reported in the literature in individuals affected with FLNA-related conditions. Invitae Evidence Modeling of protein sequence and biophysical properties (such as structural, functional, and spatial information, amino acid conservation, physicochemical variation, residue mobility, and thermodynamic stability) indicates that this missense variant is not expected to disrupt FLNA protein function with a negative predictive value of 95%. In summary, the available evidence is currently insufficient to determine the role of this variant in disease. Therefore, it has been classified as a Variant of Uncertain Significance.